The following is an entry in ClinVar:

NM_006035.4(CDC42BPB):c.3369C>G (p.Asp1123Glu)

Gene: CDC42BPB (CDC42 binding protein kinase beta; minus strand). Cytogenetic location: 14q32.32.
Variant type: single nucleotide variant.
Coding change: c.3369C>G on transcript NM_006035.4 (MANE Select); coding-DNA position 3369, C replaced by G.
Protein change: p.Asp1123Glu; replaces aspartic acid 1123 with glutamic acid.
Molecular consequence: missense variant.
Genome position (GRCh38, 1-based): chr14:102,949,845, G>C on the plus strand (C>G on the coding strand, the complement: CDC42BPB is on the minus strand). VCF-style: chr14-102949845-G-C. GRCh37 (hg19) VCF-style: chr14-103416182-G-C.
Other names: c.3291C>G, p.Asp1097Glu (NM_001411054.1); short protein forms D1097E, D1123E.
Identifiers: ClinVar variation 3730985 (VCV003730985.2).

ClinVar aggregate classification (germline): Uncertain significance (1 of 4 stars; one submission).

gnomAD v4.1: 1 of 1,613,698 alleles (0.000062%); highest among the groups gnomAD compares: African/African-American, 0.0013%; no homozygotes.

Submission:

GeneDx
Classification: Uncertain significance. Last evaluated: 2026-07-30. Review status: criteria provided, single submitter. Criteria: GeneDx Variant Classification Process June 2021. Collection method: clinical testing. Allele origin: germline.
Comment: Not observed at significant frequency in large population cohorts (gnomAD); In silico analysis supports that this missense variant has a deleterious effect on protein structure/function; Has not been previously published as pathogenic or benign to our knowledge; In silico analysis suggests this variant may impact gene splicing. In the absence of RNA/functional studies, the actual effect of this sequence change is unknown.